The following is an entry in ClinVar:

ClinVar aggregate classification (germline): Uncertain significance (1 of 4 stars; one submission).

Submission:

GeneDx
Classification: Uncertain significance. Last evaluated: 2024-05-03. Review status: criteria provided, single submitter. Criteria: GeneDx Variant Classification Process June 2021. Collection method: clinical testing. Allele origin: germline. Affected: yes.
Comment: Not observed at significant frequency in large population cohorts (gnomAD); In silico analysis indicates that this missense variant does not alter protein structure/function; Has not been previously published as pathogenic or benign to our knowledge

NM_001348768.2(HECW2):c.1127G>A (p.Ser376Asn)

Gene: HECW2 (HECT, C2 and WW domain containing E3 ubiquitin protein ligase 2; minus strand). Cytogenetic location: 2q32.3.
Variant type: single nucleotide variant.
Coding change: c.1127G>A on transcript NM_001348768.2 (MANE Select); coding-DNA position 1127, G replaced by A.
Protein change: p.Ser376Asn; replaces serine 376 with asparagine.
Molecular consequence: missense variant.
Genome position (GRCh38, 1-based): chr2:196,319,763, C>T on the plus strand (G>A on the coding strand, the complement: HECW2 is on the minus strand). VCF-style: chr2-196319763-C-T. GRCh37 (hg19) VCF-style: chr2-197184487-C-T.
Other names: c.59G>A, p.Ser20Asn (NM_001304840.3); c.1127G>A, p.Ser376Asn (NM_020760.4); short protein forms S20N, S376N.
Identifiers: ClinVar variation 3372819 (VCV003372819.1).